The following is an entry in ClinVar:

NM_001378120.1(MBD5):c.1846G>T (p.Gly616Ter)

Gene: MBD5 (methyl-CpG binding domain protein 5; plus strand). Cytogenetic location: 2q23.1.
Variant type: single nucleotide variant.
Coding change: c.1846G>T on transcript NM_001378120.1 (MANE Select); coding-DNA position 1846, G replaced by T.
Protein change: p.Gly616Ter; replaces glycine 616 with a stop codon.
Molecular consequence: nonsense.
Genome position (GRCh38, 1-based): chr2:148,469,789, G>T. VCF-style: chr2-148469789-G-T. GRCh37 (hg19) VCF-style: chr2-149227358-G-T.
Other names: c.1846G>T, p.Gly616Ter (NM_001438854.1, NM_001438855.1, NM_001438856.1 and 7 more transcripts); short protein forms G616*.
Identifiers: ClinVar variation 4718966 (VCV004718966.1).

ClinVar aggregate classification (germline): Pathogenic (1 of 4 stars; one submission).

Conditions:
Intellectual developmental disorder, autosomal dominant 1. Also called: MBD5 Haploinsufficiency; Intellectual disability, autosomal dominant 1. Identifiers: Orphanet 228402, MedGen C1969562, MONDO:0007974, OMIM 156200.

Submission:

Labcorp Genetics (formerly Invitae), Labcorp
Classification: Pathogenic for Intellectual developmental disorder, autosomal dominant 1. Last evaluated: 2025-05-05. Review status: criteria provided, single submitter. Criteria: Invitae Variant Classification Sherloc (09022015). Collection method: clinical testing. Allele origin: germline.
Comment: This sequence change creates a premature translational stop signal (p.Gly616*) in the MBD5 gene. It is expected to result in an absent or disrupted protein product. Loss-of-function variants in MBD5 are known to be pathogenic (PMID: 23422940, 23587880). This variant is not present in population databases (gnomAD no frequency). This variant has not been reported in the literature in individuals affected with MBD5-related conditions. For these reasons, this variant has been classified as Pathogenic.

Literature cited by the submitters: PubMed 23422940; PubMed 23587880.